The following is an entry in ClinVar:

ClinVar aggregate classification (germline): Uncertain significance (1 of 4 stars; one submission).

Conditions:
Lymphoproliferative syndrome 1 (LPFS1). Identifiers: Orphanet 238505, Orphanet 538963, MedGen C3552634, MONDO:0013081, OMIM 613011.

Allele frequency attached by ClinVar (database versions not stated): ExAC 0.00001; gnomAD exomes 0.00001.
gnomAD v4.1: 8 of 1,613,800 alleles (0.0005%); highest among the groups gnomAD compares: South Asian, 0.0055%; no homozygotes.

Submission:

Labcorp Genetics (formerly Invitae), Labcorp
Classification: Uncertain significance for Lymphoproliferative syndrome 1. Last evaluated: 2024-02-17. Review status: criteria provided, single submitter. Criteria: Invitae Variant Classification Sherloc (09022015). Collection method: clinical testing. Allele origin: germline.
Comment: This sequence change replaces methionine, which is neutral and non-polar, with threonine, which is neutral and polar, at codon 410 of the ITK protein (p.Met410Thr). This variant is present in population databases (rs776824188, gnomAD 0.004%). This variant has not been reported in the literature in individuals affected with ITK-related conditions. ClinVar contains an entry for this variant (Variation ID: 1417815). Advanced modeling of protein sequence and biophysical properties (such as structural, functional, and spatial information, amino acid conservation, physicochemical variation, residue mobility, and thermodynamic stability) performed at Invitae indicates that this missense variant is expected to disrupt ITK protein function with a positive predictive value of 80%. In summary, the available evidence is currently insufficient to determine the role of this variant in disease. Therefore, it has been classified as a Variant of Uncertain Significance.

NM_005546.4(ITK):c.1229T>C (p.Met410Thr)

Gene: ITK (IL2 inducible T cell kinase; plus strand). Cytogenetic location: 5q33.3.
Variant type: single nucleotide variant.
Coding change: c.1229T>C on transcript NM_005546.4 (MANE Select); coding-DNA position 1229, T replaced by C.
Protein change: p.Met410Thr; replaces methionine 410 with threonine.
Molecular consequence: missense variant.
Genome position (GRCh38, 1-based): chr5:157,243,791, T>C. VCF-style: chr5-157243791-T-C. GRCh37 (hg19) VCF-style: chr5-156670801-T-C.
Other names: short protein forms M410T.
Identifiers: ClinVar variation 1417815 (VCV001417815.6), dbSNP rs776824188, ClinGen allele CA3533022.
Genomic context (GRCh38, chr5:157,243,791, plus strand): 5'-TCAAAACCATTCGGGAAGGGGCTATGTCAGAAGAGGACTTCATAGAGGAGGCTGAAGTAA[T>C]GATGTGAGTGCTCAGAACAAGGATATGCAGAAACTCTGGGGGGAACATCGGTTCAGTGTT-3'
Protein context (NP_005537.3, residues 400-420): EEDFIEEAEV[Met410Thr]MKLSHPKLVQ